The following is an entry in ClinVar:

ClinVar aggregate classification (germline): Conflicting classifications of pathogenicity. Review status: criteria provided, conflicting classifications (1 of 4 stars). 6 submissions from 6 submitters: Uncertain significance (5); Likely benign (1). Last evaluated 2025-10-28.

Conditions:
Ehlers-Danlos syndrome, type 4 (EDSVASC). Also called: Ehlers-Danlos syndrome vascular type; Ehlers Danlos syndrome, ecchymotic type; Ehlers Danlos syndrome, arterial type; Ehlers Danlos syndrome, Sack-Barabas type; Ehlers-Danlos Syndrome Type IV. Identifiers: Orphanet 286, MedGen C0268338, MONDO:0017314, OMIM 130050.
Familial thoracic aortic aneurysm and aortic dissection (TAAD). Also called: Thoracic aortic aneurysms and dissections. Identifiers: Orphanet 91387, MedGen C4707243, MONDO:0019625.

Allele frequency attached by ClinVar (database versions not stated): ExAC 0.00002; gnomAD exomes 0.00002.

Submissions (6):

Color Diagnostics, LLC DBA Color Health
Classification: Uncertain significance for Familial thoracic aortic aneurysm and aortic dissection. Last evaluated: 2025-10-28. Review status: criteria provided, single submitter. Criteria: ACMG Guidelines, 2015. Collection method: clinical testing. Allele origin: germline.
Comment: This missense variant replaces proline with threonine at codon 1049 of the COL3A1 protein. Computational prediction suggests that this variant may have deleterious impact on protein structure and function. To our knowledge, functional studies have not been reported for this variant. This variant has not been reported in individuals affected with COL3A1-related disorders in the literature. This variant has been identified in 8/1614008 chromosomes in the general population by the Genome Aggregation Database (gnomAD). The available evidence is insufficient to determine the role of this variant in disease conclusively. Therefore, this variant is classified as a Variant of Uncertain Significance.

Ambry Genetics
Classification: Likely benign for Familial thoracic aortic aneurysm and aortic dissection. Last evaluated: 2025-02-13. Review status: criteria provided, single submitter. Criteria: Ambry Variant Classification Scheme 2023. Collection method: clinical testing. Allele origin: germline.

All of Us Research Program, National Institutes of Health
Classification: Uncertain significance for Ehlers-Danlos syndrome, type 4. Last evaluated: 2023-11-30. Review status: criteria provided, single submitter. Criteria: ACMG Guidelines, 2015. Collection method: clinical testing. Allele origin: germline. Inheritance: Autosomal dominant inheritance. Observed: 1 variant allele, 1 heterozygote.
Comment: This missense variant replaces proline with threonine at codon 1049 of the COL3A1 protein. Computational prediction tool suggests that this variant may have deleterious impact on protein structure and function (internally defined REVEL score threshold >=0.7, PMID: 27666373). Splice site prediction tools suggest that this variant may not impact RNA splicing. To our knowledge, functional studies have not been performed for this variant. This variant has not been reported in individuals affected with cardiovascular disorders in the literature. This variant has been identified in 4/251398 chromosomes in the general population by the Genome Aggregation Database (gnomAD). The available evidence is insufficient to determine the role of this variant in disease conclusively. Therefore, this variant is classified as a Variant of Uncertain Significance.

This study involves interpretation of variants in research participants for the purpose of population health screening. Participant phenotype was not available at the time of variant classification. Additional details can be found in publication PMID: 35346344, PMCID: PMC8962531

Labcorp Genetics (formerly Invitae), Labcorp
Classification: Uncertain significance for Ehlers-Danlos syndrome, type 4. Last evaluated: 2022-05-06. Review status: criteria provided, single submitter. Criteria: Invitae Variant Classification Sherloc (09022015). Collection method: clinical testing. Allele origin: germline.
Comment: This sequence change replaces proline, which is neutral and non-polar, with threonine, which is neutral and polar, at codon 1049 of the COL3A1 protein (p.Pro1049Thr). This variant is present in population databases (rs775562650, gnomAD 0.01%). This variant has not been reported in the literature in individuals affected with COL3A1-related conditions. ClinVar contains an entry for this variant (Variation ID: 925266). Advanced modeling of protein sequence and biophysical properties (such as structural, functional, and spatial information, amino acid conservation, physicochemical variation, residue mobility, and thermodynamic stability) performed at Invitae indicates that this missense variant is not expected to disrupt COL3A1 protein function. In summary, the available evidence is currently insufficient to determine the role of this variant in disease. Therefore, it has been classified as a Variant of Uncertain Significance.

Department of Pathology and Laboratory Medicine, Sinai Health System
Classification: Uncertain significance for Ehlers-Danlos syndrome, vascular type. Last evaluated: 2022-02-01. Review status: criteria provided, single submitter. Criteria: ACMG Guidelines, 2015. Collection method: research. Allele origin: germline.

Women's Health and Genetics/Laboratory Corporation of America, LabCorp
Classification: Uncertain significance. Last evaluated: 2021-04-08. Review status: criteria provided, single submitter. Criteria: LabCorp Variant Classification Summary - May 2015. Collection method: clinical testing. Allele origin: germline.
Comment: Variant summary: COL3A1 c.3145C>A (p.Pro1049Thr) results in a non-conservative amino acid change in the encoded protein sequence. Five of five in-silico tools predict a damaging effect of the variant on protein function. The variant allele was found at a frequency of 1.6e-05 in 251398 control chromosomes. The available data on variant occurrences in the general population are insufficient to allow any conclusion about variant significance. To our knowledge, no occurrence of c.3145C>A in individuals affected with Ehlers-Danlos Syndrome, Vascular Type and no experimental evidence demonstrating its impact on protein function have been reported. One clinical diagnostic laboratory has submitted clinical-significance assessments for this variant to ClinVar after 2014 without evidence for independent evaluation and classified the variant as uncertain significance. Based on the evidence outlined above, the variant was classified as uncertain significance.

Literature cited by the submitters: PubMed 33243733 (cited by Ambry Genetics).

NM_000090.4(COL3A1):c.3145C>A (p.Pro1049Thr)

Gene: COL3A1 (collagen type III alpha 1 chain; plus strand). Cytogenetic location: 2q32.2.
Variant type: single nucleotide variant.
Coding change: c.3145C>A on transcript NM_000090.4 (MANE Select); coding-DNA position 3145, C replaced by A.
Protein change: p.Pro1049Thr; replaces proline 1049 with threonine.
Molecular consequence: missense variant.
Genome position (GRCh38, 1-based): chr2:189,006,396, C>A. VCF-style: chr2-189006396-C-A. GRCh37 (hg19) VCF-style: chr2-189871122-C-A.
Other names: short protein forms P1049T.
Identifiers: ClinVar variation 925266 (VCV000925266.11), dbSNP rs775562650, ClinGen allele CA075892.